The following is an entry in ClinVar:

NM_006361.6(HOXB13):c.131C>T (p.Pro44Leu)

Gene: HOXB13 (homeobox B13; minus strand). Cytogenetic location: 17q21.32.
Variant type: single nucleotide variant.
Coding change: c.131C>T on transcript NM_006361.6 (MANE Select); coding-DNA position 131, C replaced by T.
Protein change: p.Pro44Leu; replaces proline 44 with leucine.
Molecular consequence: missense variant.
Genome position (GRCh38, 1-based): chr17:48,728,463, G>A on the plus strand (C>T on the coding strand, the complement: HOXB13 is on the minus strand). VCF-style: chr17-48728463-G-A. GRCh37 (hg19) VCF-style: chr17-46805825-G-A.
Other names: short protein forms P44L.
Identifiers: ClinVar variation 818909 (VCV000818909.15), dbSNP rs866159706, ClinGen allele CA291350856.

ClinVar aggregate classification (germline): Uncertain significance. Review status: criteria provided, multiple submitters, no conflicts (2 of 4 stars). 4 submissions from 4 submitters: Uncertain significance (4). Last evaluated 2026-07-05.

Conditions:
Hereditary cancer-predisposing syndrome. Also called: Neoplastic Syndromes, Hereditary; Hereditary Cancer Syndrome; Tumor predisposition; Hereditary neoplastic syndrome. Identifiers: Orphanet 140162, MedGen C0027672, MeSH D009386, MONDO:0015356.
HOXB13-related disorder. Also called: HOXB13-related disorders; HOXB13-related condition.

Allele frequency attached by ClinVar (database versions not stated): gnomAD exomes below 0.00001.
gnomAD v4.1: 3 of 1,613,282 alleles (0.00019%); highest among the groups gnomAD compares: African/African-American, 0.0027%; no homozygotes.

Submissions (4):

PreventionGenetics, part of Exact Sciences
Classification: Uncertain significance for HOXB13-related condition. Last evaluated: 2026-07-05. Review status: criteria provided, single submitter. Criteria: ACMG Guidelines, 2015. Collection method: clinical testing. Allele origin: germline.
Comment: The HOXB13 c.131C>T variant is predicted to result in the amino acid substitution p.Pro44Leu. To our knowledge, this variant has not been reported in the literature or in a large population database (gnomAD), indicating this variant is rare. This variant is interpreted as uncertain in ClinVar (Variation ID: 818909). At this time, the clinical significance of this variant is uncertain due to the absence of conclusive functional and genetic evidence.

Labcorp Genetics (formerly Invitae), Labcorp
Classification: Uncertain significance. Last evaluated: 2025-12-21. Review status: criteria provided, single submitter. Criteria: Invitae Variant Classification Sherloc (09022015). Collection method: clinical testing. Allele origin: germline.
Comment: This sequence change replaces proline, which is neutral and non-polar, with leucine, which is neutral and non-polar, at codon 44 of the HOXB13 protein (p.Pro44Leu). This variant is not present in population databases (gnomAD no frequency). This variant has not been reported in the literature in individuals affected with HOXB13-related conditions. ClinVar contains an entry for this variant (Variation ID: 818909). An algorithm developed to predict the effect of missense changes on protein structure and function (PolyPhen-2) suggests that this variant is likely to be tolerated. In summary, the available evidence is currently insufficient to determine the role of this variant in disease. Therefore, it has been classified as a Variant of Uncertain Significance.

Ambry Genetics
Classification: Uncertain significance for Hereditary cancer-predisposing syndrome. Last evaluated: 2025-03-22. Review status: criteria provided, single submitter. Criteria: Ambry Variant Classification Scheme 2023. Collection method: clinical testing. Allele origin: germline.
Comment: The p.P44L variant (also known as c.131C>T), located in coding exon 1 of the HOXB13 gene, results from a C to T substitution at nucleotide position 131. The proline at codon 44 is replaced by leucine, an amino acid with similar properties. This amino acid position is well conserved in available vertebrate species. In addition, this alteration is predicted to be tolerated by in silico analysis. Since supporting evidence is limited at this time, the clinical significance of this alteration remains unclear.

GeneDx
Classification: Uncertain significance. Last evaluated: 2024-06-03. Review status: criteria provided, single submitter. Criteria: GeneDx Variant Classification Process June 2021. Collection method: clinical testing. Allele origin: germline. Affected: yes.
Comment: Not observed at significant frequency in large population cohorts (gnomAD); In silico analysis indicates that this missense variant does not alter protein structure/function; Has not been previously published as pathogenic or benign to our knowledge